The following is an entry in ClinVar:

ClinVar aggregate classification (germline): Uncertain significance. Review status: criteria provided, single submitter (1 of 4 stars). 2 submissions from 2 submitters: Uncertain significance (1). 1 of the submissions does not count toward it. Last evaluated 2022-10-06.

Conditions:
Cardiovascular phenotype. Identifiers: MedGen CN230736.
Hereditary cancer-predisposing syndrome. Also called: Tumor predisposition; Hereditary neoplastic syndrome; Neoplastic Syndromes, Hereditary; Hereditary Cancer Syndrome. Identifiers: Orphanet 140162, MedGen C0027672, MeSH D009386, MONDO:0015356.

Allele frequency attached by ClinVar (database versions not stated): gnomAD exomes below 0.00001.
gnomAD v4.1: 2 of 1,614,064 alleles (0.00012%); highest among the groups gnomAD compares: Non-Finnish European, 0.000085%; no homozygotes.

Submissions (2):

Ambry Genetics
Classification: Uncertain significance for Cardiovascular phenotype; Hereditary cancer-predisposing syndrome. Last evaluated: 2022-10-06. Review status: criteria provided, single submitter. Criteria: Ambry Variant Classification Scheme 2023. Collection method: clinical testing. Allele origin: germline.
Comment: The p.A1139T variant (also known as c.3415G>A), located in coding exon 26 of the NF1 gene, results from a G to A substitution at nucleotide position 3415. The alanine at codon 1139 is replaced by threonine, an amino acid with similar properties. This variant was identified in a cohort of 681 ancestrally diverse, healthy subjects (Bodian DL et al. PLoS One, 2014 Apr;9:e94554). This amino acid position is highly conserved in available vertebrate species. In addition, this alteration is predicted to be tolerated by in silico analysis. Since supporting evidence is limited at this time, the clinical significance of this alteration remains unclear.

ITMI
No classification provided. Condition: AllHighlyPenetrant. Last evaluated: 2013-09-19. Review status: no classification provided. Collection method: reference population. Allele origin: germline. Not counted in ClinVar's aggregate classification.
Comment: Please see associated publication for description of ethnicities

Literature cited by the submitters: PubMed 24728327 (cited by ITMI).

NM_001042492.3(NF1):c.3415G>A (p.Ala1139Thr)

Gene: NF1 (neurofibromin 1; plus strand). Cytogenetic location: 17q11.2.
Variant type: single nucleotide variant.
Coding change: c.3415G>A on transcript NM_001042492.3 (MANE Select); coding-DNA position 3415, G replaced by A.
Protein change: p.Ala1139Thr; replaces alanine 1139 with threonine.
Molecular consequence: missense variant.
Genome position (GRCh38, 1-based): chr17:31,232,800, G>A. VCF-style: chr17-31232800-G-A. GRCh37 (hg19) VCF-style: chr17-29559818-G-A.
Other names: c.3415G>A, p.Ala1139Thr (NM_000267.4); short protein forms A1139T.
Identifiers: ClinVar variation 134885 (VCV000134885.3), dbSNP rs587778551, ClinGen allele CA161040.
Genomic context (GRCh38, chr17:31,232,800, plus strand): 5'-GAAGTTGAAGATGAAAGTGCGCAAACAGGTGGCAGGAAACGTGGCATGTCTCGGAGGCTG[G>A]CATCACTGAGGCACTGTACGGTCCTTGCAATGTCAAACTTACTCAATGCCAACGTAGACA-3'
Protein context (NP_001035957.1, residues 1129-1149): GRKRGMSRRL[Ala1139Thr]SLRHCTVLAM